The following is an entry in ClinVar:

NM_016032.4(ZDHHC9):c.601T>C (p.Phe201Leu)

Gene: ZDHHC9 (zDHHC palmitoyltransferase 9; minus strand). Cytogenetic location: Xq26.1.
Variant type: single nucleotide variant.
Coding change: c.601T>C on transcript NM_016032.4 (MANE Select); coding-DNA position 601, T replaced by C.
Protein change: p.Phe201Leu; replaces phenylalanine 201 with leucine.
Molecular consequence: missense variant.
Genome position (GRCh38, 1-based): chrX:129,814,682, A>G on the plus strand (T>C on the coding strand, the complement: ZDHHC9 is on the minus strand). VCF-style: chrX-129814682-A-G. GRCh37 (hg19) VCF-style: chrX-128948658-A-G.
Other names: c.601T>C, p.Phe201Leu (NM_001008222.3); short protein forms F201L.
Identifiers: ClinVar variation 1699456 (VCV001699456.3), dbSNP rs2124105600, ClinGen allele CA414586180.

ClinVar aggregate classification (germline): Uncertain significance (1 of 4 stars; one submission).

Conditions:
Intellectual developmental disorder, X-linked, syndromic, Raymond type. Also called: Syndromic X-linked intellectual disability Raymond type. Identifiers: MedGen C3275406, MONDO:0010427, OMIM 300799.

Submission:

Victorian Clinical Genetics Services, Murdoch Childrens Research Institute
Classification: Uncertain significance for Intellectual developmental disorder, X-linked, syndromic, Raymond type. Last evaluated: 2022-06-24. Review status: criteria provided, single submitter. Criteria: ACMG Guidelines, 2015. Collection method: clinical testing. Allele origin: germline. Inheritance: X-linked recessive inheritance. Affected: yes.
Comment: Based on the classification scheme VCGS_Germline_v1.3.4, this variant is classified as VUS-3A. Following criteria are met: 0102 - Loss of function is a known mechanism of disease in this gene and is associated with intellectual developmental disorder, X-linked, syndromic, Raymond type (MIM#300799). (I) 0109 - This gene is associated with X-linked recessive disease. (I) 0200 - Variant is predicted to result in a missense amino acid change from phenylalanine to leucine. (I) 0253 - This variant is hemizygous. (I) 0301 - Variant is absent from gnomAD (both v2 and v3). (SP) 0502 - Missense variant with conflicting in silico predictions and uninformative conservation. (I) 0603 - Missense variant in a region that is highly intolerant to missense variation (high constraint region in DECIPHER). (SP) 0705 - No comparable missense variants have previous evidence for pathogenicity. (I) 0807 - This variant has no previous evidence of pathogenicity. (I) 0905 - No published segregation evidence has been identified for this variant. (I) 1007 - No published functional evidence has been identified for this variant. (I) Legend: (SP) - Supporting pathogenic, (I) - Information, (SB) - Supporting benign